The following is an entry in ClinVar:

ClinVar aggregate classification (germline): Likely benign. Review status: criteria provided, multiple submitters, no conflicts (2 of 4 stars). 2 submissions from 2 submitters: Likely benign (2). Last evaluated 2018-06-14.

Allele frequency attached by ClinVar (database versions not stated): gnomAD 0.00918 and 0.01143; TOPMed 0.01544; 1000 Genomes Project 0.03734; 1000 Genomes Project 30x 0.03763.
gnomAD v4.1: 1,739 of 152,054 alleles (1.1%); highest among the groups gnomAD compares: East Asian, 9.3%; 48 homozygotes.

Submissions (2):

GeneDx
Classification: Likely benign. Last evaluated: 2018-06-14. Review status: criteria provided, single submitter. Criteria: GeneDx Variant Classification (06012015). Collection method: clinical testing. Allele origin: germline. Affected: yes.
Comment: This variant is considered likely benign or benign based on one or more of the following criteria: it is a conservative change, it occurs at a poorly conserved position in the protein, it is predicted to be benign by multiple in silico algorithms, and/or has population frequency not consistent with disease.

Breakthrough Genomics
Classification: Likely benign. Review status: criteria provided, single submitter. Criteria: ACMG Guidelines, 2015. Collection method: not provided. Allele origin: germline. Inheritance: Autosomal dominant inheritance. Affected: yes.

NM_006258.4(PRKG1):c.1002-190C>T

Gene: PRKG1 (protein kinase cGMP-dependent 1; plus strand). Cytogenetic location: 10q21.1.
Variant type: single nucleotide variant.
Coding change: c.1002-190C>T on transcript NM_006258.4 (MANE Select); 190 bases into the intron before coding-DNA position 1002, C replaced by T.
Molecular consequence: intron variant.
Genome position (GRCh38, 1-based): chr10:52,161,699, C>T. VCF-style: chr10-52161699-C-T. GRCh37 (hg19) VCF-style: chr10-53921459-C-T.
Other names: c.957-190C>T (NM_001098512.3).
Identifiers: ClinVar variation 678601 (VCV000678601.2), dbSNP rs41436851, ClinGen allele CA207388030.